The following is an entry in ClinVar:

ClinVar aggregate classification (germline): Uncertain significance (1 of 4 stars; one submission).

Conditions:
Hereditary cancer-predisposing syndrome. Also called: Tumor predisposition; Hereditary neoplastic syndrome; Hereditary Cancer Syndrome; Neoplastic Syndromes, Hereditary. Identifiers: Orphanet 140162, MedGen C0027672, MeSH D009386, MONDO:0015356.

Submission:

Ambry Genetics
Classification: Uncertain significance for Hereditary cancer-predisposing syndrome. Last evaluated: 2025-06-30. Review status: criteria provided, single submitter. Criteria: Ambry Variant Classification Scheme 2023. Collection method: clinical testing. Allele origin: germline.
Comment: The c.1201_1212dup12 variant (also known as p.Y401_D404dup), located in coding exon 12 of the BAP1 gene, results from an in-frame duplication of 12 nucleotides at nucleotide positions 1201 to 1212. This results in the duplication of 4 extra residues (YEDD) between codons 401 and 404. In addition, the in silico prediction for this alteration is inconclusive (Choi Y et al. PLoS ONE. 2012; 7(10):e46688). Since supporting evidence is limited at this time, the clinical significance of this alteration remains unclear.

NM_004656.4(BAP1):c.1201_1212dup (p.Asp404_Glu405insTyrGluAspAsp)

Gene: BAP1 (BRCA1 associated deubiquitinase 1; minus strand). Cytogenetic location: 3p21.1.
Variant type: Duplication.
Coding change: c.1201_1212dup on transcript NM_004656.4 (MANE Select); coding-DNA positions 1201 to 1212, 12 bases duplicated (TATGAGGATGAC).
Protein change: p.Asp404_Glu405insTyrGluAspAsp.
Molecular consequence: inframe insertion. On other transcripts: inframe indel (1).
Genome position (GRCh38, 1-based): chr3:52,404,491-52,404,502, GTCATCCTCATA duplicated on the plus strand (TATGAGGATGAC on the coding strand, the reverse complement: BAP1 is on the minus strand); duplicating any 12 consecutive bases within chr3:52,404,491-52,404,513 gives the same sequence; the c. name uses the placement nearest the transcript's 3' end. VCF-style (leftmost placement, unchanged base first): chr3-52404490-C-CGTCATCCTCATA. GRCh37 (hg19) VCF-style: chr3-52438506-C-CGTCATCCTCATA.
Other names: c.1147_1158dup, p.Asp386_Glu387insTyrGluAspAsp (NM_001410772.1); c.1201_1212dupTATGAGGATGAC (NM_004656.2).
Identifiers: ClinVar variation 3224425 (VCV003224425.2), dbSNP rs776606194, ClinGen allele CA2825001272.